The following is an entry in ClinVar:

ClinVar aggregate classification (germline): Benign. Review status: criteria provided, single submitter (1 of 4 stars). 2 submissions from 2 submitters: Benign (1). 1 of the submissions does not count toward it. Last evaluated 2026-05-19.

Conditions:
Neurofibromatosis, type 1 (NF1). Also called: NEUROFIBROMATOSIS, TYPE I, SOMATIC; Peripheral type neurofibromatosis; VON RECKLINGHAUSEN DISEASE; Neurofibromatosis, type I. Identifiers: Orphanet 636, MedGen C0027831, MONDO:0018975, OMIM 162200. Disease mechanism: loss of function.
NF1-related disorder. Also called: NF1-related condition. Identifiers: MedGen CN379171.

Submissions (2):

Myriad Genetics, Inc.
Classification: Benign for Neurofibromatosis, type 1. Last evaluated: 2026-05-19. Review status: criteria provided, single submitter. Criteria: Myriad Autosomal Dominant, Autosomal Recessive and X-Linked Classification Criteria (2023). Collection method: clinical testing. Allele origin: unknown.
Comment: This variant is considered benign. This variant is a silent/synonymous amino acid change and it is not expected to impact splicing.

PreventionGenetics, part of Exact Sciences
Classification: Likely benign for NF1-related condition. Last evaluated: 2024-09-10. Review status: no assertion criteria provided. Collection method: clinical testing. Allele origin: germline. Not counted in ClinVar's aggregate classification.
Comment: This variant is classified as likely benign based on ACMG/AMP sequence variant interpretation guidelines (Richards et al. 2015 PMID: 25741868, with internal and published modifications).

NM_001042492.3(NF1):c.4126C>T (p.Leu1376=)

Gene: NF1 (neurofibromin 1; plus strand). Cytogenetic location: 17q11.2.
Variant type: single nucleotide variant.
Coding change: c.4126C>T on transcript NM_001042492.3 (MANE Select); coding-DNA position 4126, C replaced by T.
Protein change: p.Leu1376=; no amino-acid change (leucine 1376 retained).
Molecular consequence: synonymous variant. On other transcripts: intron variant (1).
Genome position (GRCh38, 1-based): chr17:31,252,953, C>T. VCF-style: chr17-31252953-C-T. GRCh37 (hg19) VCF-style: chr17-29579971-C-T.
Other names: c.4110+3834C>T (NM_000267.4).
Identifiers: ClinVar variation 3344233 (VCV003344233.2).